The following is an entry in ClinVar:

NM_152305.3(POGLUT1):c.128T>C (p.Leu43Ser)

Gene: POGLUT1 (protein O-glucosyltransferase 1; plus strand). Cytogenetic location: 3q13.33.
Variant type: single nucleotide variant.
Coding change: c.128T>C on transcript NM_152305.3 (MANE Select); coding-DNA position 128, T replaced by C.
Protein change: p.Leu43Ser; replaces leucine 43 with serine.
Molecular consequence: missense variant. On other transcripts: non-coding transcript variant (1).
Genome position (GRCh38, 1-based): chr3:119,469,862, T>C. VCF-style: chr3-119469862-T-C. GRCh37 (hg19) VCF-style: chr3-119188709-T-C.
Other names: short protein forms L43S.
Identifiers: ClinVar variation 3627637 (VCV003627637.2).

ClinVar aggregate classification (germline): Uncertain significance (1 of 4 stars; one submission).

Submission:

Labcorp Genetics (formerly Invitae), Labcorp
Classification: Uncertain significance. Last evaluated: 2025-06-12. Review status: criteria provided, single submitter. Criteria: Invitae Variant Classification Sherloc (09022015). Collection method: clinical testing. Allele origin: germline.
Comment: This sequence change replaces leucine, which is neutral and non-polar, with serine, which is neutral and polar, at codon 43 of the POGLUT1 protein (p.Leu43Ser). This variant is not present in population databases (gnomAD no frequency). This variant has not been reported in the literature in individuals affected with POGLUT1-related conditions. ClinVar contains an entry for this variant (Variation ID: 3627637). An algorithm developed to predict the effect of missense changes on protein structure and function (PolyPhen-2) suggests that this variant is likely to be tolerated. In summary, the available evidence is currently insufficient to determine the role of this variant in disease. Therefore, it has been classified as a Variant of Uncertain Significance.